The following is an entry in ClinVar:

ClinVar aggregate classification (germline): Uncertain significance. Review status: criteria provided, multiple submitters, no conflicts (2 of 4 stars). 2 submissions from 2 submitters: Uncertain significance (2). Last evaluated 2021-06-03.

Conditions:
Tay-Sachs disease (TSD). Also called: HEXA DEFICIENCY; HEXA Disorders; GM2 gangliosidosis, type 1; Hexosaminidase alpha-subunit deficiency (variant B); Sphingolipidosis, Tay-Sachs; Hexosaminidase A Deficiency. Identifiers: Orphanet 845, MedGen C0039373, MONDO:0010100, OMIM 272800.
Inborn genetic diseases. Identifiers: MedGen C0950123, MeSH D030342.

Allele frequency attached by ClinVar (database versions not stated): TOPMed below 0.00001.

Submissions (2):

Ambry Genetics
Classification: Uncertain significance for Inborn genetic diseases. Last evaluated: 2021-06-03. Review status: criteria provided, single submitter. Criteria: Ambry Variant Classification Scheme 2023. Collection method: clinical testing. Allele origin: germline.

Labcorp Genetics (formerly Invitae), Labcorp
Classification: Uncertain significance for Tay-Sachs disease. Last evaluated: 2020-10-09. Review status: criteria provided, single submitter. Criteria: Invitae Variant Classification Sherloc (09022015). Collection method: clinical testing. Allele origin: germline.
Comment: This sequence change replaces glycine with alanine at codon 76 of the HEXA protein (p.Gly76Ala). The glycine residue is weakly conserved and there is a small physicochemical difference between glycine and alanine. This variant is not present in population databases (ExAC no frequency). This variant has not been reported in the literature in individuals with HEXA-related conditions. Algorithms developed to predict the effect of missense changes on protein structure and function output the following: SIFT: "Tolerated"; PolyPhen-2: "Benign"; Align-GVGD: "Class C0". The alanine amino acid residue is found in multiple mammalian species, suggesting that this missense change does not adversely affect protein function. These predictions have not been confirmed by published functional studies and their clinical significance is uncertain. In summary, the available evidence is currently insufficient to determine the role of this variant in disease. Therefore, it has been classified as a Variant of Uncertain Significance.

NM_000520.6(HEXA):c.227G>C (p.Gly76Ala)

Gene: HEXA (hexosaminidase subunit alpha; minus strand). Cytogenetic location: 15q23.
Variant type: single nucleotide variant.
Coding change: c.227G>C on transcript NM_000520.6 (MANE Select); coding-DNA position 227, G replaced by C.
Protein change: p.Gly76Ala; replaces glycine 76 with alanine.
Molecular consequence: missense variant. On other transcripts: non-coding transcript variant (1).
Genome position (GRCh38, 1-based): chr15:72,375,746, C>G on the plus strand (G>C on the coding strand, the complement: HEXA is on the minus strand). VCF-style: chr15-72375746-C-G. GRCh37 (hg19) VCF-style: chr15-72668087-C-G.
Other names: c.227G>C, p.Gly76Ala (NM_001318825.2); c.227G>C (NM_000520.4); short protein forms G76A.
Identifiers: ClinVar variation 1040974 (VCV001040974.9), dbSNP rs2089055615, ClinGen allele CA393070091.